The following is an entry in ClinVar:

NM_001365715.1(LRCH3):c.-10C>T

Gene: LRCH3 (leucine rich repeats and calponin homology domain containing 3; plus strand). Cytogenetic location: 3q29.
Variant type: single nucleotide variant.
Coding change: c.-10C>T on transcript NM_001365715.1 (MANE Select); 10 bases upstream of the start codon, C replaced by T.
Molecular consequence: 5 prime UTR variant. On other transcripts: non-coding transcript variant (1).
Genome position (GRCh38, 1-based): chr3:197,791,269, C>T. VCF-style: chr3-197791269-C-T. GRCh37 (hg19) VCF-style: chr3-197518140-C-T.
Other names: c.-10C>T (NM_001363887.1, NM_001365716.1, NM_001365717.1 and 3 more transcripts).
Identifiers: ClinVar variation 3049496 (VCV003049496.2), dbSNP rs374623656, ClinGen allele CA2787792.

ClinVar aggregate classification (germline): Likely benign (0 of 4 stars; one submission).

Conditions:
LRCH3-related disorder. Also called: LRCH3-related condition.

Allele frequency attached by ClinVar (database versions not stated): 1000 Genomes Project 0.00020; gnomAD 0.00044; TOPMed 0.00046; ExAC 0.00054; 1000 Genomes Project 30x 0.00062; ESP Exome Variant Server 0.00065.
gnomAD v4.1: 1,263 of 1,608,184 alleles (0.079%); highest among the groups gnomAD compares: Non-Finnish European, 0.1%; 1 homozygote.

Submission:

PreventionGenetics, part of Exact Sciences
Classification: Likely benign for LRCH3-related condition. Last evaluated: 2019-03-04. Review status: no assertion criteria provided. Collection method: clinical testing. Allele origin: germline.
Comment: This variant is classified as likely benign based on ACMG/AMP sequence variant interpretation guidelines (Richards et al. 2015 PMID: 25741868, with internal and published modifications).